The following is an entry in ClinVar:

ClinVar aggregate classification (germline): Uncertain significance. Review status: criteria provided, multiple submitters, no conflicts (2 of 4 stars). 2 submissions from 2 submitters: Uncertain significance (2). Last evaluated 2024-11-29.

Conditions:
Emery-Dreifuss muscular dystrophy 4, autosomal dominant (EDMD4). Also called: EMERY-DREIFUSS MUSCULAR DYSTROPHY 4 WITH VARIABLE FEATURES. Identifiers: Orphanet 261, MedGen C2751807, MONDO:0013071, OMIM 612998.
Autosomal recessive ataxia, Beauce type. Also called: SYNE1-Related Autosomal Recessive Cerebellar Ataxia; Spinocerebellar ataxia, autosomal recessive 8; ATAXIA, RECESSIVE, OF BEAUCE; SYNE1 Deficiency. Identifiers: Orphanet 88644, MedGen C1853116, MONDO:0012549, OMIM 610743.

gnomAD v4.1: 2 of 1,614,148 alleles (0.00012%); highest among the groups gnomAD compares: Admixed American, 0.0033%; no homozygotes.

Submissions (2):

Revvity Omics, Revvity
Classification: Uncertain significance. Last evaluated: 2024-11-29. Review status: criteria provided, single submitter. Criteria: ACMG Guidelines, 2015. Collection method: clinical testing. Allele origin: germline.

Labcorp Genetics (formerly Invitae), Labcorp
Classification: Uncertain significance for Emery-Dreifuss muscular dystrophy 4, autosomal dominant; Autosomal recessive ataxia, Beauce type. Last evaluated: 2022-06-20. Review status: criteria provided, single submitter. Criteria: Invitae Variant Classification Sherloc (09022015). Collection method: clinical testing. Allele origin: germline.
Comment: In summary, the available evidence is currently insufficient to determine the role of this variant in disease. Therefore, it has been classified as a Variant of Uncertain Significance. Algorithms developed to predict the effect of missense changes on protein structure and function are either unavailable or do not agree on the potential impact of this missense change (SIFT: "Deleterious"; PolyPhen-2: "Probably Damaging"; Align-GVGD: "Class C0"). This variant has not been reported in the literature in individuals affected with SYNE1-related conditions. This variant is not present in population databases (gnomAD no frequency). This sequence change replaces isoleucine, which is neutral and non-polar, with threonine, which is neutral and polar, at codon 7841 of the SYNE1 protein (p.Ile7841Thr).

NM_182961.4(SYNE1):c.23735T>C (p.Ile7912Thr)

Gene: SYNE1 (spectrin repeat containing nuclear envelope protein 1; minus strand). Cytogenetic location: 6q25.2.
Variant type: single nucleotide variant.
Coding change: c.23735T>C on transcript NM_182961.4 (MANE Select); coding-DNA position 23735, T replaced by C.
Protein change: p.Ile7912Thr; replaces isoleucine 7912 with threonine.
Molecular consequence: missense variant.
Genome position (GRCh38, 1-based): chr6:152,164,218, A>G on the plus strand (T>C on the coding strand, the complement: SYNE1 is on the minus strand). VCF-style: chr6-152164218-A-G. GRCh37 (hg19) VCF-style: chr6-152485353-A-G.
Other names: c.23522T>C (NM_033071.3); c.341T>C, p.Ile114Thr (NM_001347701.2); c.200T>C, p.Ile67Thr (NM_001347702.2); c.23522T>C, p.Ile7841Thr (NM_033071.5); short protein forms I67T, I7912T, I114T, I7841T.
Identifiers: ClinVar variation 1393550 (VCV001393550.12), dbSNP rs2153025589, ClinGen allele CA366088711.